The following is an entry in ClinVar:

NM_021133.4(RNASEL):c.1234C>G (p.Arg412Gly)

Gene: RNASEL (ribonuclease L; minus strand). Cytogenetic location: 1q25.3.
Variant type: single nucleotide variant.
Coding change: c.1234C>G on transcript NM_021133.4 (MANE Select); coding-DNA position 1234, C replaced by G.
Protein change: p.Arg412Gly; replaces arginine 412 with glycine.
Molecular consequence: missense variant.
Genome position (GRCh38, 1-based): chr1:182,585,573, G>C on the plus strand (C>G on the coding strand, the complement: RNASEL is on the minus strand). VCF-style: chr1-182585573-G-C. GRCh37 (hg19) VCF-style: chr1-182554708-G-C.
Other names: short protein forms R412G.
Identifiers: ClinVar variation 3039749 (VCV003039749.2), dbSNP rs183399204, ClinGen allele CA1278127.

ClinVar aggregate classification (germline): Likely benign (0 of 4 stars; one submission).

Conditions:
RNASEL-related disorder. Also called: RNASEL-related condition.

Allele frequency attached by ClinVar (database versions not stated): ESP Exome Variant Server 0.00008; 1000 Genomes Project 0.00080; 1000 Genomes Project 30x 0.00109.
gnomAD v4.1: 238 of 1,614,092 alleles (0.015%); highest among the groups gnomAD compares: Admixed American, 0.16%; no homozygotes.

Submission:

PreventionGenetics, part of Exact Sciences
Classification: Likely benign for RNASEL-related condition. Last evaluated: 2020-07-27. Review status: no assertion criteria provided. Collection method: clinical testing. Allele origin: germline.
Comment: This variant is classified as likely benign based on ACMG/AMP sequence variant interpretation guidelines (Richards et al. 2015 PMID: 25741868, with internal and published modifications).